The following is an entry in ClinVar:

ClinVar aggregate classification (germline): Uncertain significance. Review status: criteria provided, multiple submitters, no conflicts (2 of 4 stars). 2 submissions from 2 submitters: Uncertain significance (2). Last evaluated 2025-07-18.

Conditions:
BAP1-related tumor predisposition syndrome (TPDS1). Also called: COMMON Syndrome; BAP1 tumor predisposition syndrome; Tumor susceptibility linked to germline BAP1 mutations; TUMOR PREDISPOSITION SYNDROME 1. Identifiers: Orphanet 289539, MedGen C3280492, MONDO:0013692, OMIM 614327.
Hereditary cancer-predisposing syndrome. Also called: Tumor predisposition; Hereditary Cancer Syndrome; Hereditary neoplastic syndrome; Neoplastic Syndromes, Hereditary. Identifiers: Orphanet 140162, MedGen C0027672, MeSH D009386, MONDO:0015356.

Allele frequency attached by ClinVar (database versions not stated): TOPMed below 0.00001; gnomAD 0.00001.
gnomAD v4.1: 1 of 1,613,362 alleles (0.000062%); highest among the groups gnomAD compares: African/African-American, 0.0013%; no homozygotes.

Submissions (2):

Labcorp Genetics (formerly Invitae), Labcorp
Classification: Uncertain significance for BAP1-related tumor predisposition syndrome. Last evaluated: 2025-07-18. Review status: criteria provided, single submitter. Criteria: Invitae Variant Classification Sherloc (09022015). Collection method: clinical testing. Allele origin: germline.
Comment: This sequence change replaces serine, which is neutral and polar, with phenylalanine, which is neutral and non-polar, at codon 305 of the BAP1 protein (p.Ser305Phe). This variant is not present in population databases (gnomAD no frequency). This variant has not been reported in the literature in individuals affected with BAP1-related conditions. ClinVar contains an entry for this variant (Variation ID: 1466105). Invitae Evidence Modeling of protein sequence and biophysical properties (such as structural, functional, and spatial information, amino acid conservation, physicochemical variation, residue mobility, and thermodynamic stability) indicates that this missense variant is not expected to disrupt BAP1 protein function with a negative predictive value of 80%. In summary, the available evidence is currently insufficient to determine the role of this variant in disease. Therefore, it has been classified as a Variant of Uncertain Significance.

Ambry Genetics
Classification: Uncertain significance for Hereditary cancer-predisposing syndrome. Last evaluated: 2023-08-25. Review status: criteria provided, single submitter. Criteria: Ambry Variant Classification Scheme 2023. Collection method: clinical testing. Allele origin: germline.
Comment: The p.S305F variant (also known as c.914C>T), located in coding exon 10 of the BAP1 gene, results from a C to T substitution at nucleotide position 914. The serine at codon 305 is replaced by phenylalanine, an amino acid with highly dissimilar properties. This amino acid position is conserved. In addition, this alteration is predicted to be tolerated by in silico analysis. Since supporting evidence is limited at this time, the clinical significance of this alteration remains unclear.

NM_004656.4(BAP1):c.914C>T (p.Ser305Phe)

Gene: BAP1 (BRCA1 associated deubiquitinase 1; minus strand). Cytogenetic location: 3p21.1.
Variant type: single nucleotide variant.
Coding change: c.914C>T on transcript NM_004656.4 (MANE Select); coding-DNA position 914, C replaced by T.
Protein change: p.Ser305Phe; replaces serine 305 with phenylalanine.
Molecular consequence: missense variant.
Genome position (GRCh38, 1-based): chr3:52,405,782, G>A on the plus strand (C>T on the coding strand, the complement: BAP1 is on the minus strand). VCF-style: chr3-52405782-G-A. GRCh37 (hg19) VCF-style: chr3-52439798-G-A.
Other names: c.914C>T (NM_004656.2); short protein forms S305F.
Identifiers: ClinVar variation 1466105 (VCV001466105.10), dbSNP rs1462186340, ClinGen allele CA353106554.